The following is an entry in ClinVar:

ClinVar aggregate classification (germline): Likely benign (1 of 4 stars; one submission).

Allele frequency attached by ClinVar (database versions not stated): gnomAD 0.00001; gnomAD exomes 0.00001; TOPMed 0.00001.
gnomAD v4.1: 6 of 808,324 alleles (0.00074%); highest among the groups gnomAD compares: African/African-American, 0.0017%; no homozygotes.

Submission:

GeneDx
Classification: Likely benign. Last evaluated: 2015-11-12. Review status: criteria provided, single submitter. Criteria: GeneDx Variant Classification (06012015). Collection method: clinical testing. Allele origin: germline. Affected: yes.
Comment: This variant is considered likely benign or benign based on one or more of the following criteria: it is a conservative change, it occurs at a poorly conserved position in the protein, it is predicted to be benign by multiple in silico algorithms, and/or has population frequency not consistent with disease.

NM_001083962.2(TCF4):c.*5-18T>C

Gene: TCF4 (transcription factor 4; minus strand). Cytogenetic location: 18q21.2.
Variant type: single nucleotide variant.
Coding change: c.*5-18T>C on transcript NM_001083962.2 (MANE Select); 18 bases into the intron before 5 bases downstream of the stop codon, T replaced by C.
Molecular consequence: intron variant.
Genome position (GRCh38, 1-based): chr18:55,228,048, A>G on the plus strand (T>C on the coding strand, the complement: TCF4 is on the minus strand). VCF-style: chr18-55228048-A-G. GRCh37 (hg19) VCF-style: chr18-52895279-A-G.
Other names: c.*5-18T>C (NM_001348213.2, NM_001243233.2, NM_001330605.3 and 42 more transcripts).
Identifiers: ClinVar variation 378718 (VCV000378718.1), dbSNP rs1057520383, ClinGen allele CA16607604.
Genomic context (GRCh38, chr18:55,228,048, plus strand): 5'-GAAGTGGTCTCTTGTTTTAATGAAGCAATGTGGCAACTTGGACCTGAGAAAGGAAAAAAG[A>G]GAGAAAAAATTCATTAATATATTTGTAACAGAAAAAGTATGCTTTTTTTAAAAAAAATTC-3'